The following is an entry in ClinVar:

ClinVar aggregate classification (germline): Uncertain significance (1 of 4 stars; one submission).

Allele frequency attached by ClinVar (database versions not stated): ExAC 0.00003; gnomAD 0.00003; gnomAD exomes 0.00003 and 0.00005; TOPMed 0.00003.
gnomAD v4.1: 76 of 1,614,040 alleles (0.0047%); highest among the groups gnomAD compares: Non-Finnish European, 0.0062%; no homozygotes.

Submission:

GeneDx
Classification: Uncertain significance. Last evaluated: 2021-04-05. Review status: criteria provided, single submitter. Criteria: GeneDx Variant Classification Process June 2021. Collection method: clinical testing. Allele origin: germline. Affected: yes.
Comment: In silico analysis supports that this missense variant has a deleterious effect on protein structure/function; Has not been previously published as pathogenic or benign to our knowledge

NM_015354.3(NUP188):c.3460C>T (p.Arg1154Cys)

Gene: NUP188 (nucleoporin 188; plus strand). Cytogenetic location: 9q34.11.
Variant type: single nucleotide variant.
Coding change: c.3460C>T on transcript NM_015354.3 (MANE Select); coding-DNA position 3460, C replaced by T.
Protein change: p.Arg1154Cys; replaces arginine 1154 with cysteine.
Molecular consequence: missense variant.
Genome position (GRCh38, 1-based): chr9:128,998,568, C>T. VCF-style: chr9-128998568-C-T. GRCh37 (hg19) VCF-style: chr9-131760847-C-T.
Other names: short protein forms R1154C.
Identifiers: ClinVar variation 1314267 (VCV001314267.2), dbSNP rs200827758, ClinGen allele CA5272973.